The following is an entry in ClinVar:

NC_000022.11:g.50674678G>C

Gene: SHANK3 (SH3 and multiple ankyrin repeat domains 3; plus strand). Cytogenetic location: 22q13.33.
Variant type: single nucleotide variant.
Genome position: GRCh38 VCF-style: chr22-50674678-G-C. GRCh37 (hg19) VCF-style: chr22-51113106-G-C.
Other names: c.37G>C (NM_033517.1).
Identifiers: ClinVar variation 1197277 (VCV001197277.2), dbSNP rs1196868406, ClinGen allele CA515250915.

ClinVar aggregate classification (germline): Likely benign (1 of 4 stars; one submission).

Allele frequency attached by ClinVar (database versions not stated): TOPMed below 0.00001; gnomAD 0.00001; gnomAD exomes 0.00002.

Submission:

GeneDx
Classification: Likely benign. Last evaluated: 2021-06-11. Review status: criteria provided, single submitter. Criteria: GeneDx Variant Classification Process June 2021. Collection method: clinical testing. Allele origin: germline. Affected: yes.
Comment: This variant is associated with the following publications: (PMID: 27535533)